The following is an entry in ClinVar:

ClinVar aggregate classification (germline): Benign/Likely benign. Review status: criteria provided, multiple submitters, no conflicts (2 of 4 stars). 6 submissions from 6 submitters: Benign (1); Likely benign (5). Last evaluated 2025-01-10.

Conditions:
Familial cancer of breast. Also called: BREAST CANCER, FAMILIAL; hereditary breast carcinoma; Hereditary breast cancer. Identifiers: Orphanet 227535, MedGen C0346153, MONDO:0016419, OMIM 114480. Disease mechanism: loss of function.
Hereditary cancer-predisposing syndrome. Also called: Hereditary Cancer Syndrome; Neoplastic Syndromes, Hereditary; Tumor predisposition; Hereditary neoplastic syndrome. Identifiers: Orphanet 140162, MedGen C0027672, MeSH D009386, MONDO:0015356.

Allele frequency attached by ClinVar (database versions not stated): gnomAD exomes below 0.00001.

Submissions (6):

Myriad Genetics, Inc.
Classification: Benign for Familial cancer of breast. Last evaluated: 2025-01-10. Review status: criteria provided, single submitter. Criteria: Myriad Autosomal Dominant, Autosomal Recessive and X-Linked Classification Criteria (2023). Collection method: clinical testing. Allele origin: unknown.
Comment: This variant is considered benign. This variant is a silent/synonymous amino acid change and it is not expected to impact splicing.

Labcorp Genetics (formerly Invitae), Labcorp
Classification: Likely benign for Familial cancer of breast. Last evaluated: 2024-04-22. Review status: criteria provided, single submitter. Criteria: Invitae Variant Classification Sherloc (09022015). Collection method: clinical testing. Allele origin: germline.

Sema4
Classification: Likely benign for Hereditary cancer-predisposing syndrome. Last evaluated: 2021-06-28. Review status: criteria provided, single submitter. Criteria: Sema4 Curation Guidelines. Collection method: curation. Allele origin: germline.

Ambry Genetics
Classification: Likely benign for Hereditary cancer-predisposing syndrome. Last evaluated: 2020-08-26. Review status: criteria provided, single submitter. Criteria: Ambry Variant Classification Scheme 2023. Collection method: clinical testing. Allele origin: germline.

GeneDx
Classification: Likely benign. Last evaluated: 2018-01-12. Review status: criteria provided, single submitter. Criteria: GeneDx Variant Classification (06012015). Collection method: clinical testing. Allele origin: germline. Affected: yes.
Comment: This variant is considered likely benign or benign based on one or more of the following criteria: it is a conservative change, it occurs at a poorly conserved position in the protein, it is predicted to be benign by multiple in silico algorithms, and/or has population frequency not consistent with disease.

Color Diagnostics, LLC DBA Color Health
Classification: Likely benign for Hereditary cancer-predisposing syndrome. Last evaluated: 2018-01-07. Review status: criteria provided, single submitter. Criteria: ACMG Guidelines, 2015. Collection method: clinical testing. Allele origin: germline.

NM_024675.4(PALB2):c.882A>G (p.Lys294=)

Gene: PALB2 (partner and localizer of BRCA2; minus strand). Cytogenetic location: 16p12.2.
Variant type: single nucleotide variant.
Coding change: c.882A>G on transcript NM_024675.4 (MANE Select); coding-DNA position 882, A replaced by G.
Protein change: p.Lys294=; no amino-acid change (lysine 294 retained).
Molecular consequence: synonymous variant.
Genome position (GRCh38, 1-based): chr16:23,635,664, T>C on the plus strand (A>G on the coding strand, the complement: PALB2 is on the minus strand). VCF-style: chr16-23635664-T-C. GRCh37 (hg19) VCF-style: chr16-23646985-T-C.
Identifiers: ClinVar variation 514890 (VCV000514890.16), dbSNP rs1415955458, ClinGen allele CA494462051.
Genomic context (GRCh38, chr16:23,635,664, plus strand): 5'-TTGGCCACTTTTACTTATAGCTTTATTTACAAGGAGGTTATCTGTAGAGACAGTCATTTT[T>C]TTGCCTTGTGCCTCCAAACTTACAGGTGAAGTAAATCTAATGTTTTTTAGGTCGTGAGTA-3'
Protein context (NP_078951.2, residues 284-304): TSPVSLEAQG[Lys294=]KMTVSTDNLL